The following is an entry in ClinVar:

ClinVar aggregate classification (germline): Benign. Review status: criteria provided, multiple submitters, no conflicts (2 of 4 stars). 9 submissions from 9 submitters: Benign (7). 2 of the submissions do not count toward it. Last evaluated 2026-02-02.

Conditions:
Inborn genetic diseases. Identifiers: MedGen C0950123, MeSH D030342.
Developmental and epileptic encephalopathy, 11 (DEE11). Also called: Early infantile epileptic encephalopathy 11. Identifiers: Orphanet 1934, MedGen C3150987, MONDO:0013388, OMIM 613721.
Seizures, benign familial infantile, 3 (BFIS3). Also called: CONVULSIONS, BENIGN FAMILIAL INFANTILE, 3; Familial neonatal seizures. Identifiers: Orphanet 140927, Orphanet 306, MedGen C1843140, MONDO:0011904, OMIM 607745.

Allele frequency attached by ClinVar (database versions not stated): gnomAD exomes 0.00431 and 0.00137; 1000 Genomes Project 30x 0.00734; 1000 Genomes Project 0.00799; ESP Exome Variant Server 0.00077; gnomAD 0.00190 and 0.00226; TOPMed 0.00253; ExAC 0.00411.
gnomAD v4.1: 2,480 of 1,613,752 alleles (0.15%); highest among the groups gnomAD compares: East Asian, 3.3%; 46 homozygotes.

Submissions (9):

Labcorp Genetics (formerly Invitae), Labcorp
Classification: Benign for Seizures, benign familial infantile, 3; Developmental and epileptic encephalopathy, 11. Last evaluated: 2026-02-02. Review status: criteria provided, single submitter. Criteria: Invitae Variant Classification Sherloc (09022015). Collection method: clinical testing. Allele origin: germline.

Mayo Clinic Laboratories, Mayo Clinic
Classification: Benign. Last evaluated: 2025-07-09. Review status: criteria provided, single submitter. Criteria: ACMG Guidelines, 2015. Collection method: clinical testing. Allele origin: germline. Observed: 2 variant alleles.
Comment: BS1, BS2, BP4, BP7

Illumina Laboratory Services, Illumina
Classification: Benign for Seizures, benign familial infantile, 3. Last evaluated: 2018-01-13. Review status: criteria provided, single submitter. Criteria: ICSL Variant Classification Criteria 13 December 2019. Collection method: clinical testing. Allele origin: germline.
Comment: This variant was observed in the ICSL laboratory as part of a predisposition screen in an ostensibly healthy population. It had not been previously curated by ICSL or reported in the Human Gene Mutation Database (HGMD: prior to June 1st, 2018), and was therefore a candidate for classification through an automated scoring system. Utilizing variant allele frequency, disease prevalence and penetrance estimates, and inheritance mode, an automated score was calculated to assess if this variant is too frequent to cause the disease. Based on the score and internal cut-off values, a variant classified as benign is not then subjected to further curation. The score for this variant resulted in a classification of benign for this disease.

Ambry Genetics
Classification: Benign for Inborn genetic diseases. Last evaluated: 2016-03-09. Review status: criteria provided, single submitter. Criteria: Ambry Variant Classification Scheme 2023. Collection method: clinical testing. Allele origin: germline.

Genetic Services Laboratory, University of Chicago
Classification: Benign. Last evaluated: 2015-10-23. Review status: criteria provided, single submitter. Criteria: ACMG Guidelines, 2015. Collection method: clinical testing. Allele origin: germline. Affected: no.

GeneDx
Classification: Benign. Last evaluated: 2013-03-04. Review status: criteria provided, single submitter. Criteria: GeneDx Variant Classification (06012015). Collection method: clinical testing. Allele origin: germline. Affected: yes.
Comment: This variant is considered likely benign or benign based on one or more of the following criteria: it is a conservative change, it occurs at a poorly conserved position in the protein, it is predicted to be benign by multiple in silico algorithms, and/or has population frequency not consistent with disease.

Breakthrough Genomics
Classification: Benign. Review status: criteria provided, single submitter. Criteria: ACMG Guidelines, 2015. Collection method: not provided. Allele origin: germline. Inheritance: Autosomal dominant inheritance. Affected: yes.

Clinical Genetics DNA and cytogenetics Diagnostics Lab, Erasmus MC, Erasmus Medical Center
Classification: Likely benign. Review status: no assertion criteria provided. Collection method: clinical testing. Allele origin: germline. Affected: yes. Study: VKGL Data-share Consensus. Not counted in ClinVar's aggregate classification.

Genome Diagnostics Laboratory, University Medical Center Utrecht
Classification: Benign. Review status: no assertion criteria provided. Collection method: clinical testing. Allele origin: germline. Affected: yes. Study: VKGL Data-share Consensus. Not counted in ClinVar's aggregate classification.

NM_001040142.2(SCN2A):c.5910G>A (p.Thr1970=)

Gene: SCN2A (sodium voltage-gated channel alpha subunit 2; plus strand). Cytogenetic location: 2q24.3.
Variant type: single nucleotide variant.
Coding change: c.5910G>A on transcript NM_001040142.2 (MANE Select); coding-DNA position 5910, G replaced by A.
Protein change: p.Thr1970=; no amino-acid change (threonine 1970 retained).
Molecular consequence: synonymous variant.
Genome position (GRCh38, 1-based): chr2:165,389,716, G>A. VCF-style: chr2-165389716-G-A. GRCh37 (hg19) VCF-style: chr2-166246226-G-A.
Other names: p.T1970T:ACG>ACA; p.Thr1970=; c.5910G>A, p.Thr1970= (NM_001040143.2, NM_001371246.1, NM_001371247.1 and 1 more transcripts).
Identifiers: ClinVar variation 130225 (VCV000130225.28), dbSNP rs75057869, ClinGen allele CA289026.